The following is an entry in ClinVar:

NM_000260.4(MYO7A):c.5619G>A (p.Arg1873=)

Gene: MYO7A (myosin VIIA; plus strand). Cytogenetic location: 11q13.5.
Variant type: single nucleotide variant.
Coding change: c.5619G>A on transcript NM_000260.4 (MANE Select); coding-DNA position 5619, G replaced by A.
Protein change: p.Arg1873=; no amino-acid change (arginine 1873 retained).
Molecular consequence: synonymous variant.
Genome position (GRCh38, 1-based): chr11:77,205,600, G>A. VCF-style: chr11-77205600-G-A. GRCh37 (hg19) VCF-style: chr11-76916645-G-A.
Other names: p.R1873R:CGG>CGA; p.Arg1873=; c.5505G>A, p.Arg1835= (NM_001127180.2); c.5472G>A, p.Arg1824= (NM_001369365.1).
Identifiers: ClinVar variation 43293 (VCV000043293.29), dbSNP rs45450893, ClinGen allele CA132395.

ClinVar aggregate classification (germline): Conflicting classifications of pathogenicity. Review status: criteria provided, conflicting classifications (1 of 4 stars). 9 submissions from 7 submitters: Uncertain significance (1); Benign (6); Likely benign (1). 1 of the submissions does not count toward it. Last evaluated 2026-02-04.

Conditions:
Usher syndrome type 1 (USH1). Also called: RETINITIS PIGMENTOSA AND CONGENITAL DEAFNESS. Identifiers: Orphanet 231169, Orphanet 886, MedGen C1568247, MONDO:0010168, OMIM 276900.
Autosomal recessive nonsyndromic hearing loss 2. Also called: DEAFNESS, AUTOSOMAL RECESSIVE 2; NEUROSENSORY NONSYNDROMIC RECESSIVE DEAFNESS 2. Identifiers: Orphanet 90636, MedGen C1838701, MONDO:0010807, OMIM 600060.
Autosomal dominant nonsyndromic hearing loss 11. Identifiers: Orphanet 90635, MedGen C1832475, MONDO:0011032, OMIM 601317.
Usher syndrome type 1B (USH1B). Also called: Usher syndrome type IB. Identifiers: MedGen C1848638, MONDO:0700087.

Allele frequency attached by ClinVar (database versions not stated): ESP Exome Variant Server 0.01751; gnomAD exomes 0.02222 and 0.01536; 1000 Genomes Project 0.00938; 1000 Genomes Project 30x 0.00999; ExAC 0.01588; TOPMed 0.01591; gnomAD 0.01687 and 0.01749.
gnomAD v4.1: 34,725 of 1,613,468 alleles (2.2%); highest among the groups gnomAD compares: Non-Finnish European, 2.6%; 478 homozygotes.

Submissions (9):

Labcorp Genetics (formerly Invitae), Labcorp
Classification: Benign. Last evaluated: 2026-02-04. Review status: criteria provided, single submitter. Criteria: Invitae Variant Classification Sherloc (09022015). Collection method: clinical testing. Allele origin: germline.

ARUP Laboratories, Molecular Genetics and Genomics, ARUP Laboratories
Classification: Benign. Last evaluated: 2023-11-29. Review status: criteria provided, single submitter. Criteria: ARUP Molecular Germline Variant Investigation Process 2024. Collection method: clinical testing. Allele origin: germline.

Mayo Clinic Laboratories, Mayo Clinic
Classification: Benign. Last evaluated: 2020-12-03. Review status: criteria provided, single submitter. Criteria: ACMG Guidelines, 2015. Collection method: clinical testing. Allele origin: germline. Observed: 12 variant alleles.

Illumina Laboratory Services, Illumina
Classification: Likely benign for Usher syndrome type 1. Last evaluated: 2018-01-13. Review status: criteria provided, single submitter. Criteria: ICSL Variant Classification Criteria 13 December 2019. Collection method: clinical testing. Allele origin: germline.
Comment: This variant was observed in the ICSL laboratory as part of a predisposition screen in an ostensibly healthy population. It had not been previously curated by ICSL or reported in the Human Gene Mutation Database (HGMD: prior to June 1st, 2018), and was therefore a candidate for classification through an automated scoring system. Utilizing variant allele frequency, disease prevalence and penetrance estimates, and inheritance mode, an automated score was calculated to assess if this variant is too frequent to cause the disease. Based on the score and internal cut-off values, a variant classified as likely benign is not then subjected to further curation. The score for this variant resulted in a classification of likely benign for this disease.

Illumina Laboratory Services, Illumina
Classification: Benign for Autosomal dominant nonsyndromic hearing loss 11. Last evaluated: 2018-01-13. Review status: criteria provided, single submitter. Criteria: ICSL Variant Classification Criteria 13 December 2019. Collection method: clinical testing. Allele origin: germline.
Comment: This variant was observed in the ICSL laboratory as part of a predisposition screen in an ostensibly healthy population. It had not been previously curated by ICSL or reported in the Human Gene Mutation Database (HGMD: prior to June 1st, 2018), and was therefore a candidate for classification through an automated scoring system. Utilizing variant allele frequency, disease prevalence and penetrance estimates, and inheritance mode, an automated score was calculated to assess if this variant is too frequent to cause the disease. Based on the score and internal cut-off values, a variant classified as benign is not then subjected to further curation. The score for this variant resulted in a classification of benign for this disease.

Illumina Laboratory Services, Illumina
Classification: Uncertain significance for Autosomal recessive nonsyndromic hearing loss 2. Last evaluated: 2018-01-13. Review status: criteria provided, single submitter. Criteria: ICSL Variant Classification Criteria 13 December 2019. Collection method: clinical testing. Allele origin: germline.

GeneDx
Classification: Benign. Last evaluated: 2013-05-20. Review status: criteria provided, single submitter. Criteria: GeneDx Variant Classification (06012015). Collection method: clinical testing. Allele origin: germline. Affected: yes.
Comment: This variant is considered likely benign or benign based on one or more of the following criteria: it is a conservative change, it occurs at a poorly conserved position in the protein, it is predicted to be benign by multiple in silico algorithms, and/or has population frequency not consistent with disease.

Laboratory for Molecular Medicine, Mass General Brigham Personalized Medicine
Classification: Benign. Last evaluated: 2009-06-23. Review status: criteria provided, single submitter. Criteria: LMM Criteria. Collection method: clinical testing. Allele origin: germline. Observed: 67 variant alleles.

Natera, Inc.
Classification: Benign for Usher syndrome type 1B. Last evaluated: 2020-09-16. Review status: no assertion criteria provided. Collection method: clinical testing. Allele origin: germline. Not counted in ClinVar's aggregate classification.

Literature cited by the submitters: PubMed 10094549 (cited by Laboratory for Molecular Medicine, Mass General Brigham Personalized Medicine); PubMed 10930322 (cited by Laboratory for Molecular Medicine, Mass General Brigham Personalized Medicine).